The following is an entry in ClinVar:

ClinVar aggregate classification (germline): Uncertain significance (1 of 4 stars; one submission).

Conditions:
Paroxysmal nonkinesigenic dyskinesia. Also called: Paroxysmal non-kinesigenic dyskinesia. Identifiers: Orphanet 98810, MedGen C1869117, MONDO:0700088.

Allele frequency attached by ClinVar (database versions not stated): gnomAD exomes below 0.00001; TOPMed below 0.00001.
gnomAD v4.1: 1 of 1,613,698 alleles (0.000062%); highest among the groups gnomAD compares: African/African-American, 0.0013%; no homozygotes.

Submission:

Labcorp Genetics (formerly Invitae), Labcorp
Classification: Uncertain significance for Paroxysmal nonkinesigenic dyskinesia. Last evaluated: 2023-11-27. Review status: criteria provided, single submitter. Criteria: Invitae Variant Classification Sherloc (09022015). Collection method: clinical testing. Allele origin: germline.
Comment: This sequence change replaces lysine, which is basic and polar, with arginine, which is basic and polar, at codon 160 of the PNKD protein (p.Lys160Arg). This variant is not present in population databases (gnomAD no frequency). This variant has not been reported in the literature in individuals affected with PNKD-related conditions. ClinVar contains an entry for this variant (Variation ID: 1352145). Advanced modeling of protein sequence and biophysical properties (such as structural, functional, and spatial information, amino acid conservation, physicochemical variation, residue mobility, and thermodynamic stability) performed at Invitae indicates that this missense variant is not expected to disrupt PNKD protein function with a negative predictive value of 80%. Algorithms developed to predict the effect of sequence changes on RNA splicing suggest that this variant may disrupt the consensus splice site. In summary, the available evidence is currently insufficient to determine the role of this variant in disease. Therefore, it has been classified as a Variant of Uncertain Significance.

NM_015488.5(PNKD):c.479A>G (p.Lys160Arg)

Genes: CATIP-AS2 (CATIP antisense RNA 2; minus strand), PNKD (PNKD metallo-beta-lactamase domain containing; plus strand). Cytogenetic location: 2q35.
Variant type: single nucleotide variant.
Coding change: c.479A>G on transcript NM_015488.5 (MANE Select); coding-DNA position 479, A replaced by G.
Protein change: p.Lys160Arg; replaces lysine 160 with arginine.
Molecular consequence: missense variant.
Genome position (GRCh38, 1-based): chr2:218,340,741, A>G. VCF-style: chr2-218340741-A-G. GRCh37 (hg19) VCF-style: chr2-219205464-A-G.
Other names: c.407A>G, p.Lys136Arg (NM_022572.5); short protein forms K136R, K160R.
Identifiers: ClinVar variation 1352145 (VCV001352145.8), dbSNP rs1694648277, ClinGen allele CA350539882.